The following is an entry in ClinVar:

NM_015046.7(SETX):c.2842C>A (p.Pro948Thr)

Gene: SETX (senataxin; minus strand). Cytogenetic location: 9q34.13.
Variant type: single nucleotide variant.
Coding change: c.2842C>A on transcript NM_015046.7 (MANE Select); coding-DNA position 2842, C replaced by A.
Protein change: p.Pro948Thr; replaces proline 948 with threonine.
Molecular consequence: missense variant.
Genome position (GRCh38, 1-based): chr9:132,328,756, G>T on the plus strand (C>A on the coding strand, the complement: SETX is on the minus strand). VCF-style: chr9-132328756-G-T. GRCh37 (hg19) VCF-style: chr9-135204143-G-T.
Other names: c.2842C>A, p.Pro948Thr (NM_001351527.2, NM_001351528.2); short protein forms P948T.
Identifiers: ClinVar variation 448315 (VCV000448315.23), dbSNP rs778882347, ClinGen allele CA375333570.

ClinVar aggregate classification (germline): Conflicting classifications of pathogenicity. Review status: criteria provided, conflicting classifications (1 of 4 stars). 7 submissions from 6 submitters: Uncertain significance (6); Likely benign (1). Last evaluated 2025-09-29.

Conditions:
Amyotrophic lateral sclerosis type 4 (ALS4). Also called: NEURONOPATHY, DISTAL HEREDITARY MOTOR, WITH PYRAMIDAL FEATURES; AMYOTROPHIC LATERAL SCLEROSIS 4, JUVENILE. Identifiers: Orphanet 357043, MedGen C1865409, MONDO:0011223, OMIM 602433.
Spinocerebellar ataxia, autosomal recessive, with axonal neuropathy 2 (SCAN2). Also called: Ataxia-ocular apraxia-2; Ataxia with Oculomotor Apraxia; Ataxia with Oculomotor Apraxia Type 2; ATAXIA-OCULOMOTOR APRAXIA 2. Identifiers: Orphanet 64753, MedGen C1853761, MONDO:0018996, OMIM 606002.
SETX-related disorder. Also called: SETX-related disorders; SETX-related condition. Identifiers: MedGen CN239403.

Allele frequency attached by ClinVar (database versions not stated): gnomAD 0.00002; TOPMed 0.00002.
gnomAD v4.1: 36 of 1,612,194 alleles (0.0022%); highest among the groups gnomAD compares: Non-Finnish European, 0.0027%; no homozygotes.

Submissions (7):

PreventionGenetics, part of Exact Sciences
Classification: Uncertain significance for SETX-related condition. Last evaluated: 2025-09-29. Review status: criteria provided, single submitter. Criteria: ACMG Guidelines, 2015. Collection method: clinical testing. Allele origin: germline.
Comment: The SETX c.2842C>A variant is predicted to result in the amino acid substitution p.Pro948Thr. This variant was reported in an individual with familial amyotrophic lateral sclerosis who also had a C9orf72 repeat expansion (Kenna et al 2013. PubMed ID: 23881933). This variant is reported in 0.0065% of alleles in individuals of European (non-Finnish) descent in gnomAD. It has conflicting classifications in ClinVar ranging from likely benign to uncertain (ClinVar ID: 448315). At this time, the clinical significance of this variant is uncertain due to the absence of conclusive functional and genetic evidence.

CeGaT Center for Human Genetics Tuebingen
Classification: Uncertain significance. Last evaluated: 2024-10-01. Review status: criteria provided, single submitter. Criteria: CeGaT Center For Human Genetics Tuebingen Variant Classification Criteria Version 2. Collection method: clinical testing. Allele origin: germline. Affected: yes. Observed: 1 variant allele.
Comment: SETX: PM2, BP4

Labcorp Genetics (formerly Invitae), Labcorp
Classification: Likely benign for Amyotrophic lateral sclerosis type 4; Spinocerebellar ataxia, autosomal recessive, with axonal neuropathy 2. Last evaluated: 2024-08-31. Review status: criteria provided, single submitter. Criteria: Invitae Variant Classification Sherloc (09022015). Collection method: clinical testing. Allele origin: germline.

Genome-Nilou Lab
Classification: Uncertain significance for Spinocerebellar ataxia, autosomal recessive, with axonal neuropathy 2. Last evaluated: 2023-02-08. Review status: criteria provided, single submitter. Criteria: ACMG Guidelines, 2015. Collection method: clinical testing. Allele origin: germline.

Genome-Nilou Lab
Classification: Uncertain significance for Amyotrophic lateral sclerosis type 4. Last evaluated: 2023-02-08. Review status: criteria provided, single submitter. Criteria: ACMG Guidelines, 2015. Collection method: clinical testing. Allele origin: germline.

GeneDx
Classification: Uncertain significance. Last evaluated: 2020-06-11. Review status: criteria provided, single submitter. Criteria: GeneDx Variant Classification Process June 2021. Collection method: clinical testing. Allele origin: germline. Affected: yes.
Comment: Identified in a patient with adult-onset ALS/FTD who also had a C9orf72 repeat expansion that may have been responsible for the phenotype in published literature (Kenna et al., 2013); Not observed at a significant frequency in large population cohorts (Lek et al., 2016); In silico analysis supports that this missense variant does not alter protein structure/function; This variant is associated with the following publications: (PMID: 28413711, 23881933)

Athena Diagnostics
Classification: Uncertain significance. Last evaluated: 2017-06-20. Review status: criteria provided, single submitter. Criteria: Athena Diagnostics Criteria. Collection method: clinical testing. Allele origin: germline.

Literature cited by the submitters: PubMed 23881933 (cited by Athena Diagnostics).